The following is an entry in ClinVar:

NM_015662.3(IFT172):c.1983T>C (p.His661=)

Gene: IFT172 (intraflagellar transport 172; minus strand). Cytogenetic location: 2p23.3.
Variant type: single nucleotide variant.
Coding change: c.1983T>C on transcript NM_015662.3 (MANE Select); coding-DNA position 1983, T replaced by C.
Protein change: p.His661=; no amino-acid change (histidine 661 retained).
Molecular consequence: synonymous variant.
Genome position (GRCh38, 1-based): chr2:27,463,136, A>G on the plus strand (T>C on the coding strand, the complement: IFT172 is on the minus strand). VCF-style: chr2-27463136-A-G. GRCh37 (hg19) VCF-style: chr2-27686003-A-G.
Other names: c.1917T>C, p.His639= (NM_001410739.1).
Identifiers: ClinVar variation 5001137 (VCV005001137.1).

ClinVar aggregate classification (germline): Likely benign (1 of 4 stars; one submission).

Conditions:
IFT172-related disorder. Also called: IFT172-related disorders; IFT172-related condition.

gnomAD v4.1: 1 of 1,614,088 alleles (0.000062%); highest among the groups gnomAD compares: Non-Finnish European, 0.000085%; no homozygotes.

Submission:

PreventionGenetics, part of Exact Sciences
Classification: Likely benign for IFT172-related condition. Last evaluated: 2025-01-19. Review status: criteria provided, single submitter. Criteria: ACMG Guidelines, 2015. Collection method: clinical testing. Allele origin: germline.
Comment: This variant is classified as likely benign based on ACMG/AMP sequence variant interpretation guidelines (Richards et al. 2015 PMID: 25741868, with internal and published modifications).